The following is an entry in ClinVar:

NM_152703.5(SAMD9L):c.4249G>A (p.Val1417Ile)

Gene: SAMD9L (sterile alpha motif domain containing 9 like; minus strand). Cytogenetic location: 7q21.2.
Variant type: single nucleotide variant.
Coding change: c.4249G>A on transcript NM_152703.5 (MANE Select); coding-DNA position 4249, G replaced by A.
Protein change: p.Val1417Ile; replaces valine 1417 with isoleucine.
Molecular consequence: missense variant.
Genome position (GRCh38, 1-based): chr7:93,131,723, C>T on the plus strand (G>A on the coding strand, the complement: SAMD9L is on the minus strand). VCF-style: chr7-93131723-C-T. GRCh37 (hg19) VCF-style: chr7-92761036-C-T.
Other names: c.4249G>A, p.Val1417Ile (NM_001303496.3, NM_001303497.3, NM_001303498.3 and 5 more transcripts); short protein forms V1417I.
Identifiers: ClinVar variation 4844809 (VCV004844809.1).
Genomic context (GRCh38, chr7:93,131,723, plus strand): 5'-CTGGCCAGAACAGGAGGCAGGCCAAGAAATAAGGACCTGGATATTGATGACTTAGTCCTA[C>T]AAATTGCAAGACCTCTCGGAGTTGTTTTTTTAGCGTGGTAAGTGGTTGAATTAACTTGGA-3'
Protein context (NP_689916.2, residues 1407-1427): KKQLREVLQF[Val1417Ile]GLSHQYPGPY

ClinVar aggregate classification (germline): Uncertain significance (1 of 4 stars; one submission).

Conditions:
Inborn genetic diseases. Identifiers: MedGen C0950123, MeSH D030342.

Submission:

Ambry Genetics
Classification: Uncertain significance for Inborn genetic diseases. Last evaluated: 2026-01-22. Review status: criteria provided, single submitter. Criteria: Ambry Variant Classification Scheme 2023. Collection method: clinical testing. Allele origin: germline.
Comment: The p.V1417I variant (also known as c.4249G>A), located in coding exon 1 of the SAMD9L gene, results from a G to A substitution at nucleotide position 4249. The valine at codon 1417 is replaced by isoleucine, an amino acid with highly similar properties. This amino acid position is conserved. In addition, this alteration is predicted to be tolerated by in silico analysis. Based on the available evidence, the clinical significance of this variant remains unclear.